The following is an entry in ClinVar:

ClinVar aggregate classification (germline): Uncertain significance. Review status: criteria provided, multiple submitters, no conflicts (2 of 4 stars). 3 submissions from 3 submitters: Uncertain significance (3). Last evaluated 2025-10-02.

Conditions:
Spastic paraplegia. Identifiers: MedGen C0037772, HP:0001258.
Hereditary spastic paraplegia 10 (SPG10). Also called: SPASTIC PARAPLEGIA 10 WITH OR WITHOUT PERIPHERAL NEUROPATHY; SPASTIC PARAPLEGIA 10 WITH PERIPHERAL NEUROPATHY; SPASTIC PARAPLEGIA 10, AUTOSOMAL DOMINANT. Identifiers: Orphanet 100991, MedGen C1858712, MONDO:0011408, OMIM 604187.

Allele frequency attached by ClinVar (database versions not stated): gnomAD exomes below 0.00001 and 0.00003; ExAC 0.00001; ESP Exome Variant Server 0.00008.
gnomAD v4.1: 38 of 1,614,100 alleles (0.0024%); highest among the groups gnomAD compares: Non-Finnish European, 0.0032%; no homozygotes.

Submissions (3):

Labcorp Genetics (formerly Invitae), Labcorp
Classification: Uncertain significance for Spastic paraplegia. Last evaluated: 2025-10-02. Review status: criteria provided, single submitter. Criteria: Invitae Variant Classification Sherloc (09022015). Collection method: clinical testing. Allele origin: germline.
Comment: This sequence change replaces isoleucine, which is neutral and non-polar, with methionine, which is neutral and non-polar, at codon 42 of the KIF5A protein (p.Ile42Met). This variant is present in population databases (rs149569914, gnomAD 0.0009%). This variant has not been reported in the literature in individuals affected with KIF5A-related conditions. ClinVar contains an entry for this variant (Variation ID: 882057). Invitae Evidence Modeling of protein sequence and biophysical properties (such as structural, functional, and spatial information, amino acid conservation, physicochemical variation, residue mobility, and thermodynamic stability) has been performed for this missense variant. However, the output from this modeling did not meet the statistical confidence thresholds required to predict the impact of this variant on KIF5A protein function. In summary, the available evidence is currently insufficient to determine the role of this variant in disease. Therefore, it has been classified as a Variant of Uncertain Significance.

GeneDx
Classification: Uncertain significance. Last evaluated: 2024-08-20. Review status: criteria provided, single submitter. Criteria: GeneDx Variant Classification Process June 2021. Collection method: clinical testing. Allele origin: germline. Affected: yes.
Comment: Not observed at significant frequency in large population cohorts (gnomAD); In silico analysis indicates that this missense variant does not alter protein structure/function; Has not been previously published as pathogenic or benign to our knowledge

Illumina Laboratory Services, Illumina
Classification: Uncertain significance for Hereditary spastic paraplegia 10. Last evaluated: 2018-01-12. Review status: criteria provided, single submitter. Criteria: ICSL Variant Classification Criteria 13 December 2019. Collection method: clinical testing. Allele origin: germline.

NM_004984.4(KIF5A):c.126T>G (p.Ile42Met)

Gene: KIF5A (kinesin family member 5A; plus strand). Cytogenetic location: 12q13.3.
Variant type: single nucleotide variant.
Coding change: c.126T>G on transcript NM_004984.4 (MANE Select); coding-DNA position 126, T replaced by G.
Protein change: p.Ile42Met; replaces isoleucine 42 with methionine.
Molecular consequence: missense variant.
Genome position (GRCh38, 1-based): chr12:57,550,397, T>G. VCF-style: chr12-57550397-T-G. GRCh37 (hg19) VCF-style: chr12-57944180-T-G.
Other names: c.126T>G, p.Ile42Met (NM_001354705.2); short protein forms I42M.
Identifiers: ClinVar variation 882057 (VCV000882057.11), dbSNP rs149569914, ClinGen allele CA6652500.
Genomic context (GRCh38, chr12:57,550,397, plus strand): 5'-TGAGATTCTGCGGGGAGACAAGTTCATCCCCATTTTCCAAGGGGACGACAGCGTCGTTAT[T>G]GGGGTGAGTGTCGCCCAGGAGGGAATTCGGGGAGGGGGCAGGTGGCTGAATCTCCCCGCC-3'
Protein context (NP_004975.2, residues 32-52): PIFQGDDSVV[Ile42Met]GGKPYVFDRV